The following is an entry in ClinVar:

ClinVar aggregate classification (germline): Uncertain significance (1 of 4 stars; one submission).

Allele frequency attached by ClinVar (database versions not stated): gnomAD exomes below 0.00001; gnomAD 0.00001; ExAC 0.00002; ESP Exome Variant Server 0.00008; TOPMed 0.00003.
gnomAD v4.1: 3 of 1,613,314 alleles (0.00019%); highest among the groups gnomAD compares: African/African-American, 0.004%; no homozygotes.

Submission:

Labcorp Genetics (formerly Invitae), Labcorp
Classification: Uncertain significance. Last evaluated: 2026-01-09. Review status: criteria provided, single submitter. Criteria: Invitae Variant Classification Sherloc (09022015). Collection method: clinical testing. Allele origin: germline.
Comment: This sequence change replaces threonine, which is neutral and polar, with alanine, which is neutral and non-polar, at codon 2153 of the VCAN protein (p.Thr2153Ala). This variant is present in population databases (rs371992747, gnomAD 0.01%). This variant has not been reported in the literature in individuals affected with VCAN-related conditions. ClinVar contains an entry for this variant (Variation ID: 2979195). An algorithm developed to predict the effect of missense changes on protein structure and function (PolyPhen-2) suggests that this variant is likely to be tolerated. In summary, the available evidence is currently insufficient to determine the role of this variant in disease. Therefore, it has been classified as a Variant of Uncertain Significance.

NM_004385.5(VCAN):c.6457A>G (p.Thr2153Ala)

Genes: VCAN (versican; plus strand), VCAN-AS1 (VCAN antisense RNA 1; minus strand). Cytogenetic location: 5q14.3.
Variant type: single nucleotide variant.
Coding change: c.6457A>G on transcript NM_004385.5 (MANE Select); coding-DNA position 6457, A replaced by G.
Protein change: p.Thr2153Ala; replaces threonine 2153 with alanine.
Molecular consequence: missense variant. On other transcripts: intron variant (2).
Genome position (GRCh38, 1-based): chr5:83,539,460, A>G. VCF-style: chr5-83539460-A-G. GRCh37 (hg19) VCF-style: chr5-82835279-A-G.
Other names: c.3496A>G, p.Thr1166Ala (NM_001164097.2); c.4004-6077A>G (NM_001164098.2); c.1043-6077A>G (NM_001126336.3); short protein forms T2153A, T1166A.
Identifiers: ClinVar variation 2979195 (VCV002979195.3), dbSNP rs371992747, ClinGen allele CA3333479.
Genomic context (GRCh38, chr5:83,539,460, plus strand): 5'-CCTGCAACAGAACAAACAATCTTTGATTCACAGACATTTACTGAAACTGAACTCAAAACC[A>G]CAGATTATTCTGTACTAACAACAAAGAAAACTTACAGTGATGATAAAGAAATGAAGGAGG-3'
Protein context (NP_004376.2, residues 2143-2163): QTFTETELKT[Thr2153Ala]DYSVLTTKKT